The following is an entry in ClinVar:

ClinVar aggregate classification (germline): Uncertain significance (1 of 4 stars; one submission).

Submission:

ISCA site 15
Classification: Uncertain significance. Last evaluated: 2011-08-12. Review status: criteria provided, single submitter. Criteria: Kaminsky et al. (Genet Med. 2011). Collection method: clinical testing. Allele origin: unknown. Affected: yes. Observed: 1 variant allele.
Comment: Copy number variation identified through the course of routine clinical cytogenomic testing in postnatal populations. Clinical assertions have been curated as described in Kaminsky et al. 2011.

GRCh38/hg38 2p11.2(chr2:86026429-86242094)x4

Genes: IMMT (inner membrane mitochondrial protein; minus strand), MIR4779 (microRNA 4779; minus strand), MRPL35 (mitochondrial ribosomal protein L35; plus strand), POLR1A (RNA polymerase I subunit A; minus strand), PTCD3 (pentatricopeptide repeat domain 3; plus strand) and 19 more. Cytogenetic location: 2p11.2.
Variant type: copy number gain.
Change: copy number 4 of chr2:86,026,429-86,242,094 (215.7 kb, GRCh38 coordinates, 1-based), cytogenetic band 2p11.2.
Identifiers: ClinVar variation 58875 (VCV000058875.1).